The following is an entry in ClinVar:

ClinVar aggregate classification (germline): Pathogenic/Likely pathogenic. Review status: criteria provided, multiple submitters, no conflicts (2 of 4 stars). 5 submissions from 5 submitters: Pathogenic (1); Likely pathogenic (3). 1 of the submissions does not count toward it. Last evaluated 2026-06-01.

Conditions:
Progressive external ophthalmoplegia with mitochondrial DNA deletions, autosomal dominant 3. Also called: PROGRESSIVE EXTERNAL OPHTHALMOPLEGIA, AUTOSOMAL DOMINANT 3. Identifiers: MedGen C1836439, MONDO:0012241, OMIM 609286.

Allele frequency attached by ClinVar (database versions not stated): gnomAD exomes below 0.00001; gnomAD 0.00001; TOPMed 0.00001.
gnomAD v4.1: 7 of 1,614,024 alleles (0.00043%); highest among the groups gnomAD compares: East Asian, 0.0022%; no homozygotes.

Submissions (5):

CeGaT Center for Human Genetics Tuebingen
Classification: Likely pathogenic. Last evaluated: 2026-06-01. Review status: criteria provided, single submitter. Criteria: CeGaT Center For Human Genetics Tuebingen Variant Classification Criteria Version 2. Collection method: clinical testing. Allele origin: germline. Affected: yes. Observed: 1 variant allele.
Comment: TWNK: PM2, PM5, PP1:Moderate, PS4:Moderate, PP3

GeneDx
Classification: Likely pathogenic. Last evaluated: 2025-09-14. Review status: criteria provided, single submitter. Criteria: GeneDx Variant Classification Process June 2021. Collection method: clinical testing. Allele origin: germline. Affected: yes.
Comment: In silico analysis supports that this missense variant has a deleterious effect on protein structure/function; Not observed at significant frequency in large population cohorts (gnomAD); This variant is associated with the following publications: (PMID: 25133958, 24091712, 20880070, 22353293, 31692161, 19513767, 18971204, 20479361, 34409151, 38703036)

Labcorp Genetics (formerly Invitae), Labcorp
Classification: Pathogenic. Last evaluated: 2025-01-07. Review status: criteria provided, single submitter. Criteria: Invitae Variant Classification Sherloc (09022015). Collection method: clinical testing. Allele origin: germline.
Comment: This sequence change replaces arginine, which is basic and polar, with tryptophan, which is neutral and slightly polar, at codon 374 of the TWNK protein (p.Arg374Trp). This variant is present in population databases (rs267606682, gnomAD 0.0009%). This missense change has been observed in individuals with clinical features of autosomal dominant progressive external ophthalmoplegia (PMID: 19513767, 25133958, 34409151). ClinVar contains an entry for this variant (Variation ID: 4629). Invitae Evidence Modeling of protein sequence and biophysical properties (such as structural, functional, and spatial information, amino acid conservation, physicochemical variation, residue mobility, and thermodynamic stability) indicates that this missense variant is expected to disrupt TWNK protein function with a positive predictive value of 95%. This variant disrupts the p.Arg374 amino acid residue in TWNK. Other variant(s) that disrupt this residue have been determined to be pathogenic (PMID: 11431692, 20880070, 32161153). This suggests that this residue is clinically significant, and that variants that disrupt this residue are likely to be disease-causing. For these reasons, this variant has been classified as Pathogenic.

Women's Health and Genetics/Laboratory Corporation of America, LabCorp
Classification: Likely pathogenic for Progressive external ophthalmoplegia with mitochondrial DNA deletions, autosomal dominant 3. Last evaluated: 2022-09-27. Review status: criteria provided, single submitter. Criteria: LabCorp Variant Classification Summary - May 2015. Collection method: clinical testing. Allele origin: germline.
Comment: Variant summary: C10orf2 c.1120C>T (p.Arg374Trp) results in a non-conservative amino acid change in the encoded protein sequence. Five of five in-silico tools predict a damaging effect of the variant on protein function. The variant allele was found at a frequency of 4e-06 in 251374 control chromosomes (gnomAD). c.1120C>T has been reported in the literature in individuals affected with Progressive External Ophthalmoplegia, with confirmed segregation in two families (Echaniz-Laguna_2010), and in one individual with a positive family history suggesting autosomal dominant inheritance (Vandenberghe_2021). These data indicate that the variant is very likely to be associated with disease. To our knowledge, no experimental evidence demonstrating an impact on protein function has been reported. One ClinVar submitter has assessed the variant since 2014: the variant was classified as likely pathogenic. Based on the evidence outlined above, the variant was classified as likely pathogenic.

OMIM
Classification: Pathogenic for PROGRESSIVE EXTERNAL OPHTHALMOPLEGIA WITH MITOCHONDRIAL DNA DELETIONS, AUTOSOMAL DOMINANT 3. Last evaluated: 2010-02-01. Review status: no assertion criteria provided. Collection method: literature only. Allele origin: germline. Not counted in ClinVar's aggregate classification.

Literature cited by the submitters: PubMed 19513767 (cited by 3 submitters); PubMed 25133958 (cited by Labcorp Genetics (formerly Invitae), Labcorp and Women's Health and Genetics/Laboratory Corporation of America, LabCorp); PubMed 34409151 (cited by Labcorp Genetics (formerly Invitae), Labcorp and Women's Health and Genetics/Laboratory Corporation of America, LabCorp); PubMed 11431692 (cited by Labcorp Genetics (formerly Invitae), Labcorp); PubMed 20880070 (cited by Labcorp Genetics (formerly Invitae), Labcorp); PubMed 32161153 (cited by Labcorp Genetics (formerly Invitae), Labcorp).

NM_021830.5(TWNK):c.1120C>T (p.Arg374Trp)

Gene: TWNK (twinkle mtDNA helicase; plus strand). Cytogenetic location: 10q24.31.
Variant type: single nucleotide variant.
Coding change: c.1120C>T on transcript NM_021830.5 (MANE Select); coding-DNA position 1120, C replaced by T.
Protein change: p.Arg374Trp; replaces arginine 374 with tryptophan.
Molecular consequence: missense variant. On other transcripts: non-coding transcript variant (4), intron variant (3).
Genome position (GRCh38, 1-based): chr10:100,989,330, C>T. VCF-style: chr10-100989330-C-T. GRCh37 (hg19) VCF-style: chr10-102749087-C-T.
Other names: c.1120C>T, p.Arg374Trp (NM_001163812.2); c.-119-314C>T (NM_001163814.2, NM_001163813.2); c.-57-376C>T (NM_001368275.1); short protein forms R374W.
Identifiers: ClinVar variation 4629 (VCV000004629.11), dbSNP rs267606682, ClinGen allele CA116970.